The following is an entry in ClinVar:

ClinVar aggregate classification (germline): Uncertain significance (1 of 4 stars; one submission).

Conditions:
Renal cell carcinoma. Identifiers: Orphanet 217071, MedGen C0007134, MeSH D002292, MONDO:0005086, HP:0005584.

Allele frequency attached by ClinVar (database versions not stated): gnomAD exomes below 0.00001.

Submission:

Labcorp Genetics (formerly Invitae), Labcorp
Classification: Uncertain significance for Renal cell carcinoma. Last evaluated: 2023-02-16. Review status: criteria provided, single submitter. Criteria: Invitae Variant Classification Sherloc (09022015). Collection method: clinical testing. Allele origin: germline.
Comment: In summary, the available evidence is currently insufficient to determine the role of this variant in disease. Therefore, it has been classified as a Variant of Uncertain Significance. Advanced modeling of protein sequence and biophysical properties (such as structural, functional, and spatial information, amino acid conservation, physicochemical variation, residue mobility, and thermodynamic stability) performed at Invitae indicates that this missense variant is not expected to disrupt MET protein function. This variant has not been reported in the literature in individuals affected with MET-related conditions. This variant is not present in population databases (gnomAD no frequency). This sequence change replaces serine, which is neutral and polar, with leucine, which is neutral and non-polar, at codon 406 of the MET protein (p.Ser406Leu).

NM_000245.4(MET):c.1217C>T (p.Ser406Leu)

Gene: MET (MET proto-oncogene, receptor tyrosine kinase; plus strand). Cytogenetic location: 7q31.2.
Variant type: single nucleotide variant.
Coding change: c.1217C>T on transcript NM_000245.4 (MANE Select); coding-DNA position 1217, C replaced by T.
Protein change: p.Ser406Leu; replaces serine 406 with leucine.
Molecular consequence: missense variant. On other transcripts: 5 prime UTR variant (1).
Genome position (GRCh38, 1-based): chr7:116,731,684, C>T. VCF-style: chr7-116731684-C-T. GRCh37 (hg19) VCF-style: chr7-116371738-C-T.
Other names: c.1217C>T, p.Ser406Leu (NM_001127500.3, NM_001324401.3); c.-74C>T (NM_001324402.2); short protein forms S406L.
Identifiers: ClinVar variation 2837962 (VCV002837962.3), dbSNP rs2116779504, ClinGen allele CA368972708.